The following is an entry in ClinVar:

NM_182972.3(IRF2BP2):c.1615A>T (p.Lys539Ter)

Gene: IRF2BP2 (interferon regulatory factor 2 binding protein 2; minus strand). Cytogenetic location: 1q42.3.
Variant type: single nucleotide variant.
Coding change: c.1615A>T on transcript NM_182972.3 (MANE Select); coding-DNA position 1615, A replaced by T.
Protein change: p.Lys539Ter; replaces lysine 539 with a stop codon.
Molecular consequence: nonsense.
Genome position (GRCh38, 1-based): chr1:234,607,286, T>A on the plus strand (A>T on the coding strand, the complement: IRF2BP2 is on the minus strand). VCF-style: chr1-234607286-T-A. GRCh37 (hg19) VCF-style: chr1-234743032-T-A.
Other names: c.1567A>T, p.Lys523Ter (NM_001077397.1); short protein forms K523*, K539*.
Identifiers: ClinVar variation 3654008 (VCV003654008.2).

ClinVar aggregate classification (germline): Uncertain significance (1 of 4 stars; one submission).

Submission:

Labcorp Genetics (formerly Invitae), Labcorp
Classification: Uncertain significance. Last evaluated: 2025-12-20. Review status: criteria provided, single submitter. Criteria: Invitae Variant Classification Sherloc (09022015). Collection method: clinical testing. Allele origin: germline.
Comment: This sequence change creates a premature translational stop signal (p.Lys539*) in the IRF2BP2 gene. While this is not anticipated to result in nonsense mediated decay, it is expected to disrupt the last 49 amino acid(s) of the IRF2BP2 protein. This variant is not present in population databases (gnomAD no frequency). This variant has not been reported in the literature in individuals affected with IRF2BP2-related conditions. ClinVar contains an entry for this variant (Variation ID: 3654008). In summary, the available evidence is currently insufficient to determine the role of this variant in disease. Therefore, it has been classified as a Variant of Uncertain Significance.